The following is an entry in ClinVar:

NM_000092.5(COL4A4):c.3233C>T (p.Ala1078Val)

Gene: COL4A4 (collagen type IV alpha 4 chain; minus strand). Cytogenetic location: 2q36.3.
Variant type: single nucleotide variant.
Coding change: c.3233C>T on transcript NM_000092.5 (MANE Select); coding-DNA position 3233, C replaced by T.
Protein change: p.Ala1078Val; replaces alanine 1078 with valine.
Molecular consequence: missense variant.
Genome position (GRCh38, 1-based): chr2:227,047,531, G>A on the plus strand (C>T on the coding strand, the complement: COL4A4 is on the minus strand). VCF-style: chr2-227047531-G-A. GRCh37 (hg19) VCF-style: chr2-227912247-G-A.
Other names: short protein forms A1078V.
Identifiers: ClinVar variation 334710 (VCV000334710.23), dbSNP rs79143859, ClinGen allele CA2144584.

ClinVar aggregate classification (germline): Benign. Review status: criteria provided, multiple submitters, no conflicts (2 of 4 stars). 8 submissions from 8 submitters: Benign (7). 1 of the submissions does not count toward it. Last evaluated 2026-02-01.

Conditions:
Focal segmental glomerulosclerosis (FSGS). Also called: Glomerulosclerosis, focal; Focal sclerosis with hyalinosis. Identifiers: MedGen C0017668, MONDO:0100313, HP:0000097. Disease mechanism: loss of function.
Alport syndrome. Also called: Hemorrhagic familial nephritis; Hemorrhagic hereditary nephritis; Congenital hereditary hematuria. Identifiers: Orphanet 63, MedGen C1567741, MONDO:0018965.

Allele frequency attached by ClinVar (database versions not stated): gnomAD exomes 0.00126 and 0.00308; ExAC 0.00385; gnomAD 0.01170 and 0.01259; ESP Exome Variant Server 0.01179; TOPMed 0.01319; 1000 Genomes Project 0.01538; 1000 Genomes Project 30x 0.01640.
gnomAD v4.1: 3,695 of 1,613,386 alleles (0.23%); highest among the groups gnomAD compares: African/African-American, 4.4%; 66 homozygotes.

Submissions (8):

Labcorp Genetics (formerly Invitae), Labcorp
Classification: Benign. Last evaluated: 2026-02-01. Review status: criteria provided, single submitter. Criteria: Invitae Variant Classification Sherloc (09022015). Collection method: clinical testing. Allele origin: germline.

Mayo Clinic Laboratories, Mayo Clinic
Classification: Benign. Last evaluated: 2023-04-03. Review status: criteria provided, single submitter. Criteria: ACMG Guidelines, 2015. Collection method: clinical testing. Allele origin: germline. Observed: 7 variant alleles.
Comment: BS1, BS2, BP4

Genome Diagnostics Laboratory, The Hospital for Sick Children
Classification: Benign for Focal segmental glomerulosclerosis. Last evaluated: 2022-08-16. Review status: criteria provided, single submitter. Criteria: ACMG Guidelines, 2015. Collection method: clinical testing. Allele origin: germline.

GeneDx
Classification: Benign. Last evaluated: 2018-02-16. Review status: criteria provided, single submitter. Criteria: GeneDx Variant Classification (06012015). Collection method: clinical testing. Allele origin: germline. Affected: yes.
Comment: This variant is considered likely benign or benign based on one or more of the following criteria: it is a conservative change, it occurs at a poorly conserved position in the protein, it is predicted to be benign by multiple in silico algorithms, and/or has population frequency not consistent with disease.

Illumina Laboratory Services, Illumina
Classification: Benign for Alport syndrome. Last evaluated: 2018-01-12. Review status: criteria provided, single submitter. Criteria: ICSL Variant Classification Criteria 13 December 2019. Collection method: clinical testing. Allele origin: germline.
Comment: This variant was observed in the ICSL laboratory as part of a predisposition screen in an ostensibly healthy population. It had not been previously curated by ICSL or reported in the Human Gene Mutation Database (HGMD: prior to June 1st, 2018), and was therefore a candidate for classification through an automated scoring system. Utilizing variant allele frequency, disease prevalence and penetrance estimates, and inheritance mode, an automated score was calculated to assess if this variant is too frequent to cause the disease. Based on the score and internal cut-off values, a variant classified as benign is not then subjected to further curation. The score for this variant resulted in a classification of benign for this disease.

Laboratory for Molecular Medicine, Mass General Brigham Personalized Medicine
Classification: Benign. Last evaluated: 2016-03-21. Review status: criteria provided, single submitter. Criteria: LMM Criteria. Collection method: clinical testing. Allele origin: germline. Observed: 4 variant alleles.
Comment: p.Ala1078Val in exon 35 of COL4A4: This variant is not expected to have clinical significance because it has been identified in 4.56% (437/9586) of African chro mosomes by the Exome Aggregation Consortium (ExAC, g; dbSNP rs79143859).

Breakthrough Genomics
Classification: Benign. Review status: criteria provided, single submitter. Criteria: ACMG Guidelines, 2015. Collection method: not provided. Allele origin: germline. Inheritance: Autosomal recessive inheritance. Affected: yes.

Natera, Inc.
Classification: Benign for Alport syndrome. Last evaluated: 2020-09-16. Review status: no assertion criteria provided. Collection method: clinical testing. Allele origin: germline. Not counted in ClinVar's aggregate classification.